The following is an entry in ClinVar:

NM_153240.5(NPHP3):c.3775C>T (p.Arg1259Ter)

Genes: NPHP3 (nephrocystin 3; minus strand), NPHP3-ACAD11 (NPHP3-ACAD11 readthrough (NMD candidate); minus strand). Cytogenetic location: 3q22.1.
Variant type: single nucleotide variant.
Coding change: c.3775C>T on transcript NM_153240.5 (MANE Select); coding-DNA position 3775, C replaced by T.
Protein change: p.Arg1259Ter; replaces arginine 1259 with a stop codon.
Molecular consequence: nonsense. On other transcripts: non-coding transcript variant (1).
Genome position (GRCh38, 1-based): chr3:132,682,740, G>A on the plus strand (C>T on the coding strand, the complement: NPHP3 is on the minus strand). VCF-style: chr3-132682740-G-A. GRCh37 (hg19) VCF-style: chr3-132401584-G-A.
Other names: short protein forms R1259*.
Identifiers: ClinVar variation 1454640 (VCV001454640.12), dbSNP rs758716466, ClinGen allele CA2621647.

ClinVar aggregate classification (germline): Pathogenic/Likely pathogenic. Review status: criteria provided, multiple submitters, no conflicts (2 of 4 stars). 5 submissions from 5 submitters: Pathogenic (4); Likely pathogenic (1). Last evaluated 2025-09-10.

Conditions:
Nephronophthisis. Also called: Juvenile Nephronophthisis. Identifiers: Orphanet 655, MedGen C0687120, MONDO:0019005, HP:0000090.
Nephronophthisis 3 (NPHP3). Also called: Adolescent nephronophthisis. Identifiers: Orphanet 655, MedGen C1858392, MONDO:0011456, OMIM 604387.
Renal-hepatic-pancreatic dysplasia 1 (RHPD1). Identifiers: MedGen C3715199, MONDO:0008833, OMIM 208540.
NPHP3-related Meckel-like syndrome. Also called: GOLDSTON SYNDROME; Meckel syndrome type 7. Identifiers: Orphanet 3032, MedGen C2673885, MONDO:0009966, OMIM 267010.
NPHP3-related disorder. Also called: NPHP3-related condition; NPHP3-related disorders. Identifiers: MedGen CN379163.

Allele frequency attached by ClinVar (database versions not stated): TOPMed 0.00001; gnomAD 0.00002; gnomAD exomes 0.00003; ExAC 0.00006.
gnomAD v4.1: 22 of 1,612,862 alleles (0.0014%); highest among the groups gnomAD compares: Admixed American, 0.0017%; no homozygotes.

Submissions (5):

Labcorp Genetics (formerly Invitae), Labcorp
Classification: Pathogenic for Nephronophthisis. Last evaluated: 2025-09-10. Review status: criteria provided, single submitter. Criteria: Invitae Variant Classification Sherloc (09022015). Collection method: clinical testing. Allele origin: germline.
Comment: This sequence change creates a premature translational stop signal (p.Arg1259*) in the NPHP3 gene. While this is not anticipated to result in nonsense mediated decay, it is expected to disrupt the last 72 amino acid(s) of the NPHP3 protein. This variant is present in population databases (rs758716466, gnomAD 0.005%). This premature translational stop signal has been observed in individual(s) with nephronophthisis (PMID: 18076122, 21866095). ClinVar contains an entry for this variant (Variation ID: 1454640). Algorithms developed to predict the effect of sequence changes on RNA splicing suggest that this variant may disrupt the consensus splice site. This variant disrupts a region of the NPHP3 protein in which other variant(s) (p.Gly1275) have been determined to be pathogenic (PMID: 12872122). This suggests that this is a clinically significant region of the protein, and that variants that disrupt it are likely to be disease-causing. For these reasons, this variant has been classified as Pathogenic.

Blueprint Genetics
Classification: Pathogenic for NPHP3-related disorders. Last evaluated: 2024-04-16. Review status: criteria provided, single submitter. Criteria: ACMG Guidelines, 2015. Collection method: clinical testing. Allele origin: germline. Affected: yes. Observed: 5 variant alleles.

Precision Medicine Center, Zhengzhou University
Classification: Pathogenic for Nephronophthisis 3. Last evaluated: 2023-12-01. Review status: criteria provided, single submitter. Criteria: ACMG Guidelines, 2015. Collection method: clinical testing. Allele origin: paternal. Affected: yes.
Comment: PM2_p,PM3,PP3

Victorian Clinical Genetics Services, Murdoch Childrens Research Institute
Classification: Pathogenic for Nephronophthisis 3. Last evaluated: 2022-03-31. Review status: criteria provided, single submitter. Criteria: ACMG Guidelines, 2015. Collection method: clinical testing. Allele origin: germline. Inheritance: Autosomal dominant inheritance. Affected: no.
Comment: Based on the classification scheme VCGS_Germline_v1.3.4, this variant is classified as Pathogenic. Following criteria are met: 0102 - Loss of function is a known mechanism of disease in this gene and is associated with Meckel syndrome 7 (MIM# 267010), nephronophthisis 3 (MIM# 604387) and renal-hepatic-pancreatic dysplasia 1 (MIM# 208540). (I) 0106 - This gene is associated with autosomal recessive disease. (I) 0205 - Variant is predicted to result in a truncated protein (premature termination codon is NOT located at least 54 nucleotides upstream of the final exon-exon junction) with less than 1/3 of the protein sequence affected. (SP) 0251 - This variant is heterozygous. (I) 0304 - Variant is present in gnomAD <0.01 for a recessive condition (v2: 9 heterozygotes, 0 homozygotes). (SP) 0703 - Other downstream protein truncating variants comparable to the one identified in this case have moderate previous evidence for pathogenicity. At least two other have been reported in ClinVar and an individual with nephronophthisis-related ciliopathy (PMID: 33532864). (SP) 0802 - This variant has moderate previous evidence of pathogenicity in unrelated individuals. It has been reported in at least 3 compound heterozygous or homozygous individuals with nephronophthisis (PMID: 18076122, 19177160, 33323469). (SP) 0905 - No published segregation evidence has been identified for this variant. (I) 1007 - No published functional evidence has been identified for this variant. (I) Legend: (SP) - Supporting pathogenic, (I) - Information, (SB) - Supporting benign

Fulgent Genetics
Classification: Likely pathogenic for Renal-hepatic-pancreatic dysplasia 1; NPHP3-related Meckel-like syndrome; Nephronophthisis 3. Last evaluated: 2022-02-17. Review status: criteria provided, single submitter. Criteria: ACMG Guidelines, 2015. Collection method: clinical testing. Allele origin: unknown.

Literature cited by the submitters: PubMed 18076122 (cited by 3 submitters); PubMed 21866095 (cited by Labcorp Genetics (formerly Invitae), Labcorp); PubMed 12872122 (cited by Labcorp Genetics (formerly Invitae), Labcorp); PubMed 19177160 (cited by Victorian Clinical Genetics Services, Murdoch Childrens Research Institute); PubMed 33323469 (cited by Victorian Clinical Genetics Services, Murdoch Childrens Research Institute); PubMed 33532864 (cited by Victorian Clinical Genetics Services, Murdoch Childrens Research Institute).